The following is an entry in ClinVar:

ClinVar aggregate classification (germline): Uncertain significance. Review status: criteria provided, multiple submitters, no conflicts (2 of 4 stars). 2 submissions from 2 submitters: Uncertain significance (2). Last evaluated 2026-01-30.

Conditions:
Neurodegeneration with brain iron accumulation 5 (NBIA5). Also called: STATIC ENCEPHALOPATHY OF CHILDHOOD WITH NEURODEGENERATION IN ADULTHOOD; Beta-propeller protein-associated neurodegeneration. Identifiers: Orphanet 329284, MedGen C3550973, MONDO:0010476, OMIM 300894.

Allele frequency attached by ClinVar (database versions not stated): TOPMed 0.00001.

Submissions (2):

GeneDx
Classification: Uncertain significance. Last evaluated: 2026-01-30. Review status: criteria provided, single submitter. Criteria: GeneDx Variant Classification Process June 2021. Collection method: clinical testing. Allele origin: germline.
Comment: Not observed at significant frequency in large population cohorts (gnomAD); In silico analysis suggests that this missense variant does not alter protein structure/function; Has not been previously published as pathogenic or benign to our knowledge

Labcorp Genetics (formerly Invitae), Labcorp
Classification: Uncertain significance for Neurodegeneration with brain iron accumulation 5. Last evaluated: 2024-01-15. Review status: criteria provided, single submitter. Criteria: Invitae Variant Classification Sherloc (09022015). Collection method: clinical testing. Allele origin: germline.
Comment: This sequence change replaces methionine, which is neutral and non-polar, with isoleucine, which is neutral and non-polar, at codon 51 of the WDR45 protein (p.Met51Ile). This variant is not present in population databases (gnomAD no frequency). This variant has not been reported in the literature in individuals affected with WDR45-related conditions. Advanced modeling of protein sequence and biophysical properties (such as structural, functional, and spatial information, amino acid conservation, physicochemical variation, residue mobility, and thermodynamic stability) performed at Invitae indicates that this missense variant is not expected to disrupt WDR45 protein function with a negative predictive value of 80%. In summary, the available evidence is currently insufficient to determine the role of this variant in disease. Therefore, it has been classified as a Variant of Uncertain Significance.

NM_001029896.2(WDR45):c.153G>A (p.Met51Ile)

Genes: WDR45 (WD repeat domain 45; minus strand), LOC126863256 (BRD4-independent group 4 enhancer GRCh37_chrX:48934848-48936047; plus strand). Cytogenetic location: Xp11.23.
Variant type: single nucleotide variant.
Coding change: c.153G>A on transcript NM_001029896.2 (MANE Select); coding-DNA position 153, G replaced by A.
Protein change: p.Met51Ile; replaces methionine 51 with isoleucine.
Molecular consequence: missense variant.
Genome position (GRCh38, 1-based): chrX:49,077,725, C>T on the plus strand (G>A on the coding strand, the complement: WDR45 is on the minus strand). VCF-style: chrX-49077725-C-T. GRCh37 (hg19) VCF-style: chrX-48935384-C-T.
Other names: c.153G>A (NM_007075.3); c.153G>A, p.Met51Ile (NM_007075.4); short protein forms M51I.
Identifiers: ClinVar variation 2793232 (VCV002793232.4), dbSNP rs1334699777, ClinGen allele CA412949215.